The following is an entry in ClinVar:

NM_000059.4(BRCA2):c.902A>T (p.Asp301Val)

Gene: BRCA2 (BRCA2 DNA repair associated; plus strand). Cytogenetic location: 13q13.1.
Variant type: single nucleotide variant.
Coding change: c.902A>T on transcript NM_000059.4 (MANE Select); coding-DNA position 902, A replaced by T.
Protein change: p.Asp301Val; replaces aspartic acid 301 with valine.
Molecular consequence: missense variant.
Genome position (GRCh38, 1-based): chr13:32,332,380, A>T. VCF-style: chr13-32332380-A-T. GRCh37 (hg19) VCF-style: chr13-32906517-A-T.
Other names: short protein forms D301V.
Identifiers: ClinVar variation 1330084 (VCV001330084.3), dbSNP rs730881508, ClinGen allele CA387760682.

ClinVar aggregate classification (germline): Conflicting classifications of pathogenicity. Review status: criteria provided, conflicting classifications (1 of 4 stars). 2 submissions from 2 submitters: Uncertain significance (1); Likely benign (1). Last evaluated 2023-03-23.

Conditions:
Hereditary cancer-predisposing syndrome. Also called: Hereditary Cancer Syndrome; Tumor predisposition; Neoplastic Syndromes, Hereditary; Hereditary neoplastic syndrome. Identifiers: Orphanet 140162, MedGen C0027672, MeSH D009386, MONDO:0015356.

Submissions (2):

University of Washington Department of Laboratory Medicine, University of Washington
Classification: Likely benign for Hereditary cancer-predisposing syndrome. Last evaluated: 2023-03-23. Review status: criteria provided, single submitter. Criteria: Dines et al. (Genet Med. 2020). Collection method: curation. Allele origin: germline.
Comment: Missense variant in a coldspot region where missense variants are very unlikely to be pathogenic (PMID:31911673).

BRCA2 exon 10 coldspot. Reclassification based on statistical prior probability.

Quest Diagnostics Nichols Institute San Juan Capistrano
Classification: Uncertain significance. Last evaluated: 2021-03-01. Review status: criteria provided, single submitter. Criteria: Quest Diagnostics criteria. Collection method: clinical testing. Allele origin: unknown.